The following is an entry in ClinVar:

NM_000063.6(C2):c.749C>G (p.Ser250Cys)

Gene: C2 (complement C2; plus strand). Cytogenetic location: 6p21.33.
Variant type: single nucleotide variant.
Coding change: c.749C>G on transcript NM_000063.6 (MANE Select); coding-DNA position 749, C replaced by G.
Protein change: p.Ser250Cys; replaces serine 250 with cysteine.
Molecular consequence: missense variant. On other transcripts: intron variant (2).
Genome position (GRCh38, 1-based): chr6:31,934,199, C>G. VCF-style: chr6-31934199-C-G. GRCh37 (hg19) VCF-style: chr6-31901976-C-G.
Other names: p.Ser250Cys; c.353C>G, p.Ser118Cys (NM_001145903.3); c.662C>G, p.Ser221Cys (NM_001282458.2); c.749C>G, p.Ser250Cys (NM_001282459.2); c.111+416C>G (NM_001282457.2); c.346+234C>G (NM_001178063.3); short protein forms S221C, S118C, S250C.
Identifiers: ClinVar variation 906982 (VCV000906982.14), dbSNP rs150827255, ClinGen allele CA3727507.

ClinVar aggregate classification (germline): Uncertain significance. Review status: criteria provided, multiple submitters, no conflicts (2 of 4 stars). 8 submissions from 7 submitters: Uncertain significance (6). 2 of the submissions do not count toward it. Last evaluated 2025-12-03.

Conditions:
Age related macular degeneration 14. Also called: MACULAR DEGENERATION, AGE-RELATED, 14, REDUCED RISK OF. Identifiers: MedGen C3809653, MONDO:0014207, OMIM 615489.
Complement component 2 deficiency (C2D). Also called: C2 deficiency. Identifiers: MedGen C0398756, MONDO:0009006, OMIM 217000.

Allele frequency attached by ClinVar (database versions not stated): ExAC 0.00029; gnomAD exomes 0.00024 and 0.00033; ESP Exome Variant Server 0.00023; TOPMed 0.00037; gnomAD 0.00027.
gnomAD v4.1: 514 of 1,614,234 alleles (0.032%); highest among the groups gnomAD compares: Admixed American, 0.048%; 1 homozygote.

Submissions (8):

Labcorp Genetics (formerly Invitae), Labcorp
Classification: Uncertain significance. Last evaluated: 2025-12-03. Review status: criteria provided, single submitter. Criteria: Invitae Variant Classification Sherloc (09022015). Collection method: clinical testing. Allele origin: germline.
Comment: This sequence change replaces serine, which is neutral and polar, with cysteine, which is neutral and slightly polar, at codon 250 of the C2 protein (p.Ser250Cys). This variant is present in population databases (rs150827255, gnomAD 0.04%). This missense change has been observed in individual(s) with atypical hemolytic uremic syndrome or C3 glomerulopathy (PMID: 32113979, 34899688). ClinVar contains an entry for this variant (Variation ID: 906982). An algorithm developed to predict the effect of missense changes on protein structure and function (PolyPhen-2) suggests that this variant is likely to be disruptive. Experimental studies have shown that this missense change affects C2 function (PMID: 34899688). In summary, the available evidence is currently insufficient to determine the role of this variant in disease. Therefore, it has been classified as a Variant of Uncertain Significance.

Mayo Clinic Laboratories, Mayo Clinic
Classification: Uncertain significance. Last evaluated: 2025-03-04. Review status: criteria provided, single submitter. Criteria: ACMG Guidelines, 2015. Collection method: clinical testing. Allele origin: germline. Observed: 1 variant allele.
Comment: PM2_supporting, PS3_moderate, PS4_supporting

Blueprint Genetics
Classification: Uncertain significance. Last evaluated: 2024-09-05. Review status: criteria provided, single submitter. Criteria: ACMG Guidelines, 2015. Collection method: clinical testing. Allele origin: germline.

Fulgent Genetics
Classification: Uncertain significance for Complement component 2 deficiency; Age related macular degeneration 14. Last evaluated: 2022-05-23. Review status: criteria provided, single submitter. Criteria: ACMG Guidelines, 2015. Collection method: clinical testing. Allele origin: unknown.

Illumina Laboratory Services, Illumina
Classification: Uncertain significance for Complement component 2 deficiency. Last evaluated: 2018-01-13. Review status: criteria provided, single submitter. Criteria: ICSL Variant Classification Criteria 13 December 2019. Collection method: clinical testing. Allele origin: germline.

Illumina Laboratory Services, Illumina
Classification: Uncertain significance for Age related macular degeneration 14. Last evaluated: 2018-01-13. Review status: criteria provided, single submitter. Criteria: ICSL Variant Classification Criteria 13 December 2019. Collection method: clinical testing. Allele origin: germline.

Clinical Genetics DNA and cytogenetics Diagnostics Lab, Erasmus MC, Erasmus Medical Center
Classification: Uncertain significance. Review status: no assertion criteria provided. Collection method: clinical testing. Allele origin: germline. Affected: yes. Study: VKGL Data-share Consensus. Not counted in ClinVar's aggregate classification.

Diagnostic Laboratory, Department of Genetics, University Medical Center Groningen
Classification: Uncertain significance. Review status: no assertion criteria provided. Collection method: clinical testing. Allele origin: germline. Affected: yes. Study: VKGL Data-share Consensus. Not counted in ClinVar's aggregate classification.

Literature cited by the submitters: PubMed 32113979 (cited by Labcorp Genetics (formerly Invitae), Labcorp and Mayo Clinic Laboratories, Mayo Clinic); PubMed 34899688 (cited by Labcorp Genetics (formerly Invitae), Labcorp and Mayo Clinic Laboratories, Mayo Clinic).